The following is an entry in ClinVar:

NM_004444.5(EPHB4):c.2014G>A (p.Glu672Lys)

Gene: EPHB4 (EPH receptor B4; minus strand). Cytogenetic location: 7q22.1.
Variant type: single nucleotide variant.
Coding change: c.2014G>A on transcript NM_004444.5 (MANE Select); coding-DNA position 2014, G replaced by A.
Protein change: p.Glu672Lys; replaces glutamic acid 672 with lysine.
Molecular consequence: missense variant.
Genome position (GRCh38, 1-based): chr7:100,812,851, C>T on the plus strand (G>A on the coding strand, the complement: EPHB4 is on the minus strand). VCF-style: chr7-100812851-C-T. GRCh37 (hg19) VCF-style: chr7-100410473-C-T.
Other names: short protein forms E672K.
Identifiers: ClinVar variation 4018828 (VCV004018828.2).

ClinVar aggregate classification (germline): Uncertain significance (1 of 4 stars; one submission).

Conditions:
Cardiovascular phenotype. Identifiers: MedGen CN230736.

gnomAD v4.1: 6 of 1,614,118 alleles (0.00037%); highest among the groups gnomAD compares: South Asian, 0.0011%; no homozygotes.

Submission:

Ambry Genetics
Classification: Uncertain significance for Cardiovascular phenotype. Last evaluated: 2026-04-16. Review status: criteria provided, single submitter. Criteria: Ambry Variant Classification Scheme 2023. Collection method: clinical testing. Allele origin: germline.
Comment: The p.E672K variant (also known as c.2014G>A), located in coding exon 12 of the EPHB4 gene, results from a G to A substitution at nucleotide position 2014. The glutamic acid at codon 672 is replaced by lysine, an amino acid with similar properties. This amino acid position is not well conserved in available vertebrate species. In addition, this alteration is predicted to be tolerated by in silico analysis. Based on the available evidence, the clinical significance of this variant remains unclear.